The following is an entry in ClinVar:

ClinVar aggregate classification (germline): Uncertain significance (1 of 4 stars; one submission).

Conditions:
Neurofibromatosis, type 2 (SWNV). Also called: BILATERAL ACOUSTIC NEUROFIBROMATOSIS; NF2-Related Schwannomatosis; SCHWANNOMATOSIS, VESTIBULAR. Identifiers: Orphanet 637, MedGen C0027832, MONDO:0007039, OMIM 101000. Disease mechanism: loss of function.

Submission:

All of Us Research Program, National Institutes of Health
Classification: Uncertain significance for Neurofibromatosis, type 2. Last evaluated: 2023-02-24. Review status: criteria provided, single submitter. Criteria: ACMG Guidelines, 2015. Collection method: clinical testing. Allele origin: germline. Inheritance: Autosomal dominant inheritance. Observed: 1 variant allele, 1 heterozygote.
Comment: This missense variant replaces serine with cysteine at codon 156 of the NF2 protein. Computational prediction suggests that this variant may not impact protein structure and function (internally defined REVEL score threshold <= 0.5, PMID: 27666373). To our knowledge, functional studies have not been reported for this variant. This variant has not been reported in individuals affected with NF2-related disorders in the literature. This variant has not been identified in the general population by the Genome Aggregation Database (gnomAD). The available evidence is insufficient to determine the role of this variant in disease conclusively. Therefore, this variant is classified as a Variant of Uncertain Significance.

This study involves interpretation of variants in research participants for the purpose of population health screening. Participant phenotype was not available at the time of variant classification. Additional details can be found in publication PMID: 35346344, PMCID: PMC8962531

NM_000268.4(NF2):c.466A>T (p.Ser156Cys)

Gene: NF2 (NF2, moesin-ezrin-radixin like (MERLIN) tumor suppressor; plus strand). Cytogenetic location: 22q12.2.
Variant type: single nucleotide variant.
Coding change: c.466A>T on transcript NM_000268.4 (MANE Select); coding-DNA position 466, A replaced by T.
Protein change: p.Ser156Cys; replaces serine 156 with cysteine.
Molecular consequence: missense variant. On other transcripts: 5 prime UTR variant (1), intron variant (1).
Genome position (GRCh38, 1-based): chr22:29,654,675, A>T. VCF-style: chr22-29654675-A-T. GRCh37 (hg19) VCF-style: chr22-30050664-A-T.
Other names: c.352A>T, p.Ser118Cys (NM_001407053.1, NM_001407056.1); c.343A>T, p.Ser115Cys (NM_001407054.1, NM_001407058.1, NM_001407062.1 and 1 more transcripts); c.340A>T, p.Ser114Cys (NM_001407055.1, NM_181828.3); c.466A>T, p.Ser156Cys (NM_001407057.1, NM_001407059.1, NM_001407060.1 and 4 more transcripts); c.217A>T, p.Ser73Cys (NM_001407063.1, NM_001407064.1, NM_181830.3 and 1 more transcripts); c.-175A>T (NM_001407065.1); c.235A>T, p.Ser79Cys (NM_001407067.1); c.447+12390A>T (NM_181833.3); short protein forms S114C, S115C, S118C, S156C, S73C, S79C.
Identifiers: ClinVar variation 3069651 (VCV003069651.1), dbSNP rs2146966619, ClinGen allele CA411142148.